The following is an entry in ClinVar:

NM_002972.4(SBF1):c.4774G>A (p.Val1592Met)

Gene: SBF1 (SET binding factor 1; minus strand). Cytogenetic location: 22q13.33.
Variant type: single nucleotide variant.
Coding change: c.4774G>A on transcript NM_002972.4 (MANE Select); coding-DNA position 4774, G replaced by A.
Protein change: p.Val1592Met; replaces valine 1592 with methionine.
Molecular consequence: missense variant.
Genome position (GRCh38, 1-based): chr22:50,454,852, C>T on the plus strand (G>A on the coding strand, the complement: SBF1 is on the minus strand). VCF-style: chr22-50454852-C-T. GRCh37 (hg19) VCF-style: chr22-50893281-C-T.
Other names: c.4699G>A, p.Val1567Met (NM_001365819.1); c.4777G>A, p.Val1593Met (NM_001410794.1); c.4696G>A, p.Val1566Met (NM_001410795.1); c.4774G>A, p.Val1592Met (NM_197971.1); c.4774G>A (NM_002972.2); short protein forms V1566M, V1592M, V1567M, V1593M.
Identifiers: ClinVar variation 1911319 (VCV001911319.3), dbSNP rs1020594214, ClinGen allele CA325527992.

ClinVar aggregate classification (germline): Uncertain significance. Review status: criteria provided, multiple submitters, no conflicts (2 of 4 stars). 2 submissions from 2 submitters: Uncertain significance (2). Last evaluated 2023-02-09.

Allele frequency attached by ClinVar (database versions not stated): TOPMed below 0.00001.
gnomAD v4.1: 12 of 1,614,070 alleles (0.00074%); highest among the groups gnomAD compares: Non-Finnish European, 0.001%; no homozygotes.

Submissions (2):

Ambry Genetics
Classification: Uncertain significance. Last evaluated: 2023-02-09. Review status: criteria provided, single submitter. Criteria: Ambry Variant Classification Scheme 2023. Collection method: clinical testing. Allele origin: germline.

Labcorp Genetics (formerly Invitae), Labcorp
Classification: Uncertain significance. Last evaluated: 2022-02-27. Review status: criteria provided, single submitter. Criteria: Invitae Variant Classification Sherloc (09022015). Collection method: clinical testing. Allele origin: germline.
Comment: This sequence change replaces valine, which is neutral and non-polar, with methionine, which is neutral and non-polar, at codon 1592 of the SBF1 protein (p.Val1592Met). This variant is not present in population databases (gnomAD no frequency). This variant has not been reported in the literature in individuals affected with SBF1-related conditions. Algorithms developed to predict the effect of missense changes on protein structure and function output the following: SIFT: "Tolerated"; PolyPhen-2: "Benign"; Align-GVGD: "Class C0". The methionine amino acid residue is found in multiple mammalian species, which suggests that this missense change does not adversely affect protein function. In summary, the available evidence is currently insufficient to determine the role of this variant in disease. Therefore, it has been classified as a Variant of Uncertain Significance.